The following is an entry in ClinVar:

NM_003072.5(SMARCA4):c.2629T>C (p.Tyr877His)

Gene: SMARCA4 (SWI/SNF related BAF chromatin remodeling complex subunit ATPase 4; plus strand). Cytogenetic location: 19p13.2.
Variant type: single nucleotide variant.
Coding change: c.2629T>C on transcript NM_003072.5 (MANE Select); coding-DNA position 2629, T replaced by C.
Protein change: p.Tyr877His; replaces tyrosine 877 with histidine.
Molecular consequence: missense variant. On other transcripts: non-coding transcript variant (1).
Genome position (GRCh38, 1-based): chr19:11,021,737, T>C. VCF-style: chr19-11021737-T-C. GRCh37 (hg19) VCF-style: chr19-11132413-T-C.
Other names: c.2629T>C, p.Tyr877His (NM_001128844.3, NM_001128845.2, NM_001128846.2 and 5 more transcripts); short protein forms Y877H.
Identifiers: ClinVar variation 470315 (VCV000470315.8), dbSNP rs1555778688, ClinGen allele CA404055572.

ClinVar aggregate classification (germline): Uncertain significance (1 of 4 stars; one submission).

Conditions:
Rhabdoid tumor predisposition syndrome 2 (RTPS2). Identifiers: Orphanet 231108, Orphanet 69077, MedGen C2750074, MONDO:0013224, OMIM 613325.

Submission:

Labcorp Genetics (formerly Invitae), Labcorp
Classification: Uncertain significance for Rhabdoid tumor predisposition syndrome 2. Last evaluated: 2017-05-18. Review status: criteria provided, single submitter. Criteria: Invitae Variant Classification Sherloc (09022015). Collection method: clinical testing. Allele origin: germline.
Comment: In summary, this variant is a novel missense change with uncertain impact on protein function. It has been classified as a Variant of Uncertain Significance. Algorithms developed to predict the effect of missense changes on protein structure and function (SIFT, PolyPhen-2, Align-GVGD) all suggest that this variant is likely to be disruptive, but these predictions have not been confirmed by published functional studies. This variant is not present in population databases (ExAC no frequency) and has not been reported in the literature in individuals with a SMARCA4-related disease. This sequence change replaces tyrosine with histidine at codon 877 of the SMARCA4 protein (p.Tyr877His). The tyrosine residue is highly conserved and there is a moderate physicochemical difference between tyrosine and histidine.